The following is an entry in ClinVar:

ClinVar aggregate classification (germline): Likely benign (0 of 4 stars; one submission).

Conditions:
SPTA1-related disorder. Also called: SPTA1-related disorders; SPTA1-related condition.

Allele frequency attached by ClinVar (database versions not stated): TOPMed 0.00002.
gnomAD v4.1: 5 of 1,613,384 alleles (0.00031%); highest among the groups gnomAD compares: Admixed American, 0.005%; no homozygotes.

Submission:

PreventionGenetics, part of Exact Sciences
Classification: Likely benign for SPTA1-related condition. Last evaluated: 2019-03-18. Review status: no assertion criteria provided. Collection method: clinical testing. Allele origin: germline.
Comment: This variant is classified as likely benign based on ACMG/AMP sequence variant interpretation guidelines (Richards et al. 2015 PMID: 25741868, with internal and published modifications).

NM_003126.4(SPTA1):c.3882C>T (p.Phe1294=)

Gene: SPTA1 (spectrin alpha, erythrocytic 1; minus strand). Cytogenetic location: 1q23.1.
Variant type: single nucleotide variant.
Coding change: c.3882C>T on transcript NM_003126.4 (MANE Select); coding-DNA position 3882, C replaced by T.
Protein change: p.Phe1294=; no amino-acid change (phenylalanine 1294 retained).
Molecular consequence: synonymous variant.
Genome position (GRCh38, 1-based): chr1:158,647,553, G>A on the plus strand (C>T on the coding strand, the complement: SPTA1 is on the minus strand). VCF-style: chr1-158647553-G-A. GRCh37 (hg19) VCF-style: chr1-158617343-G-A.
Identifiers: ClinVar variation 3058118 (VCV003058118.2), dbSNP rs1652087781, ClinGen allele CA421286751.